The following is an entry in ClinVar:

ClinVar aggregate classification (germline): Uncertain significance (1 of 4 stars; one submission).

Submission:

GeneDx
Classification: Uncertain significance. Last evaluated: 2025-05-28. Review status: criteria provided, single submitter. Criteria: GeneDx Variant Classification Process June 2021. Collection method: clinical testing. Allele origin: germline. Affected: yes.
Comment: Not observed at significant frequency in large population cohorts (gnomAD); In silico analysis supports a deleterious effect on splicing; Has not been previously published as pathogenic or benign to our knowledge

NM_017635.5(KMT5B):c.840+7_840+8insGTAAGCAA

Gene: KMT5B (lysine methyltransferase 5B; minus strand). Cytogenetic location: 11q13.2.
Variant type: Insertion.
Coding change: c.840+7_840+8insGTAAGCAA on transcript NM_017635.5 (MANE Select); bases 7 to 8 of the intron after coding-DNA position 840, GTAAGCAA inserted.
Molecular consequence: splice donor variant.
Genome position: GRCh38 VCF-style: chr11-68171224-A-ATGCTTACT. GRCh37 (hg19) VCF-style: chr11-67938691-A-ATGCTTACT.
Other names: c.324+7_324+8insGTAAGCAA (NM_001369430.1, NM_001369432.1, NM_001369428.1 and 5 more transcripts); c.120+7_120+8insGTAAGCAA (NM_001300908.2); c.840+7_840+8insGTAAGCAA (NM_001369426.1, NM_001363566.2, NM_001369427.1 and 1 more transcripts); c.627+7_627+8insGTAAGCAA (NM_001369425.1); c.771+7_771+8insGTAAGCAA (NM_001300909.2).
Identifiers: ClinVar variation 4532655 (VCV004532655.1).